The following is an entry in ClinVar:

NM_001365536.1(SCN9A):c.5873A>G (p.Tyr1958Cys)

Genes: SCN1A-AS1 (SCN1A and SCN9A antisense RNA 1; plus strand), SCN9A (sodium voltage-gated channel alpha subunit 9; minus strand). Cytogenetic location: 2q24.3.
Variant type: single nucleotide variant.
Coding change: c.5873A>G on transcript NM_001365536.1 (MANE Select); coding-DNA position 5873, A replaced by G.
Protein change: p.Tyr1958Cys; replaces tyrosine 1958 with cysteine.
Molecular consequence: missense variant.
Genome position (GRCh38, 1-based): chr2:166,198,766, T>C on the plus strand (A>G on the coding strand, the complement: SCN9A is on the minus strand). VCF-style: chr2-166198766-T-C. GRCh37 (hg19) VCF-style: chr2-167055276-T-C.
Other names: c.5840A>G, p.Tyr1947Cys (NM_002977.4); short protein forms Y1958C, Y1947C.
Identifiers: ClinVar variation 1437909 (VCV001437909.8), dbSNP rs758044085, ClinGen allele CA349051286.

ClinVar aggregate classification (germline): Uncertain significance (1 of 4 stars; one submission).

Conditions:
Neuropathy, hereditary sensory and autonomic, type 2A (HSAN2A). Also called: WNK1-Related HSAN2 (HSAN2A); ACROOSTEOLYSIS, NEUROGENIC; ACROOSTEOLYSIS, GIACCAI TYPE; MORVAN DISEASE; NEUROPATHY, CONGENITAL SENSORY; NEUROPATHY, HEREDITARY SENSORY RADICULAR, AUTOSOMAL RECESSIVE. Identifiers: Orphanet 970, MedGen C2752089, MONDO:0024309, OMIM 201300.
Generalized epilepsy with febrile seizures plus, type 7 (GEFSP7). Also called: GEFS+, TYPE 7. Identifiers: Orphanet 36387, MedGen C2751778, MONDO:0013470, OMIM 613863.

Allele frequency attached by ClinVar (database versions not stated): gnomAD exomes 0.00001.
gnomAD v4.1: 5 of 1,613,592 alleles (0.00031%); highest among the groups gnomAD compares: South Asian, 0.0011%; no homozygotes.

Submission:

Labcorp Genetics (formerly Invitae), Labcorp
Classification: Uncertain significance for Neuropathy, hereditary sensory and autonomic, type 2A; Generalized epilepsy with febrile seizures plus, type 7. Last evaluated: 2025-03-26. Review status: criteria provided, single submitter. Criteria: Invitae Variant Classification Sherloc (09022015). Collection method: clinical testing. Allele origin: germline.
Comment: This sequence change replaces tyrosine, which is neutral and polar, with cysteine, which is neutral and slightly polar, at codon 1947 of the SCN9A protein (p.Tyr1947Cys). This variant is present in population databases (no rsID available, gnomAD 0.007%). This variant has not been reported in the literature in individuals affected with SCN9A-related conditions. ClinVar contains an entry for this variant (Variation ID: 1437909). Invitae Evidence Modeling of protein sequence and biophysical properties (such as structural, functional, and spatial information, amino acid conservation, physicochemical variation, residue mobility, and thermodynamic stability) has been performed for this missense variant. However, the output from this modeling did not meet the statistical confidence thresholds required to predict the impact of this variant on SCN9A protein function. In summary, the available evidence is currently insufficient to determine the role of this variant in disease. Therefore, it has been classified as a Variant of Uncertain Significance.